The following is an entry in ClinVar:

ClinVar aggregate classification (germline): Pathogenic. Review status: criteria provided, multiple submitters, no conflicts (2 of 4 stars). 2 submissions from 2 submitters: Pathogenic (2). Last evaluated 2023-03-08.

Conditions:
Duchenne muscular dystrophy (DMD). Also called: MUSCULAR DYSTROPHY, PSEUDOHYPERTROPHIC PROGRESSIVE, DUCHENNE TYPE; Duchenne Muscular Dystrophy (DMD). Identifiers: Orphanet 98896, MedGen C0013264, MONDO:0010679, OMIM 310200.

Submissions (2):

Labcorp Genetics (formerly Invitae), Labcorp
Classification: Pathogenic for Duchenne muscular dystrophy. Last evaluated: 2023-03-08. Review status: criteria provided, single submitter. Criteria: Invitae Variant Classification Sherloc (09022015). Collection method: clinical testing. Allele origin: germline.
Comment: Disruption of this splice site has been observed in individuals with DMD-related dystrophinopathies (PMID: 21515508). This sequence change affects an acceptor splice site in intron 12 of the DMD gene. It is expected to disrupt RNA splicing. Variants that disrupt the donor or acceptor splice site typically lead to a loss of protein function (PMID: 16199547), and loss-of-function variants in DMD are known to be pathogenic (PMID: 16770791, 25007885). This variant is not present in population databases (gnomAD no frequency). ClinVar contains an entry for this variant (Variation ID: 217179). Algorithms developed to predict the effect of sequence changes on RNA splicing suggest that this variant may disrupt the consensus splice site. For these reasons, this variant has been classified as Pathogenic.

Athena Diagnostics
Classification: Pathogenic. Last evaluated: 2013-10-10. Review status: criteria provided, single submitter. Criteria: Athena Diagnostics Criteria. Collection method: clinical testing. Allele origin: unknown.
Comment: The variant disrupts a canonical splice site, and is therefore predicted to result in the loss of a functional protein. Not found in the total gnomAD dataset.

Literature cited by the submitters: PubMed 21515508 (cited by Labcorp Genetics (formerly Invitae), Labcorp and Athena Diagnostics); PubMed 16199547 (cited by Labcorp Genetics (formerly Invitae), Labcorp); PubMed 16770791 (cited by Labcorp Genetics (formerly Invitae), Labcorp); PubMed 25007885 (cited by Labcorp Genetics (formerly Invitae), Labcorp).

NM_004006.3(DMD):c.1483-1G>C

Gene: DMD (dystrophin; minus strand). Cytogenetic location: Xp21.1.
Variant type: single nucleotide variant.
Coding change: c.1483-1G>C on transcript NM_004006.3 (MANE Select); the canonical splice acceptor site of the intron before coding-DNA position 1483, G replaced by C.
Molecular consequence: splice acceptor variant.
Genome position (GRCh38, 1-based): chrX:32,595,877, C>G on the plus strand (G>C on the coding strand, the complement: DMD is on the minus strand). VCF-style: chrX-32595877-C-G. GRCh37 (hg19) VCF-style: chrX-32613994-C-G.
Other names: c.1459-1G>C (NM_000109.4); c.1471-1G>C (NM_004009.3); c.1114-1G>C (NM_004010.3).
Identifiers: ClinVar variation 217179 (VCV000217179.11), dbSNP rs863224982, ClinGen allele CA347502.